The following is an entry in ClinVar:

ClinVar aggregate classification (germline): Uncertain significance (1 of 4 stars; one submission).

Conditions:
Familial adenomatous polyposis 1 (FAP1). Also called: POLYPOSIS, ADENOMATOUS INTESTINAL; FAMILIAL ADENOMATOUS POLYPOSIS 1, ATTENUATED. Identifiers: MedGen C2713442, MONDO:0021056, OMIM 175100. Disease mechanism: loss of function.

Submission:

Labcorp Genetics (formerly Invitae), Labcorp
Classification: Uncertain significance for Familial adenomatous polyposis 1. Last evaluated: 2023-05-05. Review status: criteria provided, single submitter. Criteria: Invitae Variant Classification Sherloc (09022015). Collection method: clinical testing. Allele origin: germline.
Comment: This sequence change replaces threonine, which is neutral and polar, with lysine, which is basic and polar, at codon 2676 of the APC protein (p.Thr2676Lys). This variant is not present in population databases (gnomAD no frequency). This variant has not been reported in the literature in individuals affected with APC-related conditions. Advanced modeling of protein sequence and biophysical properties (such as structural, functional, and spatial information, amino acid conservation, physicochemical variation, residue mobility, and thermodynamic stability) performed at Invitae indicates that this missense variant is not expected to disrupt APC protein function. In summary, the available evidence is currently insufficient to determine the role of this variant in disease. Therefore, it has been classified as a Variant of Uncertain Significance.

NM_000038.6(APC):c.8027C>A (p.Thr2676Lys)

Gene: APC (APC regulator of Wnt signaling pathway; plus strand). Cytogenetic location: 5q22.2.
Variant type: single nucleotide variant.
Coding change: c.8027C>A on transcript NM_000038.6 (MANE Select); coding-DNA position 8027, C replaced by A.
Protein change: p.Thr2676Lys; replaces threonine 2676 with lysine.
Molecular consequence: missense variant. On other transcripts: non-coding transcript variant (2).
Genome position (GRCh38, 1-based): chr5:112,843,621, C>A. VCF-style: chr5-112843621-C-A. GRCh37 (hg19) VCF-style: chr5-112179318-C-A.
Other names: c.7178C>A, p.Thr2393Lys (NM_001354906.2, NM_001407470.1); c.8111C>A, p.Thr2704Lys (NM_001407446.1); c.8081C>A, p.Thr2694Lys (NM_001407447.1, NM_001407448.1, NM_001407449.1 and 1 more transcripts); c.8027C>A, p.Thr2676Lys (NM_001407450.1, NM_001127510.3, NM_001354895.2); c.8006C>A, p.Thr2669Lys (NM_001407451.1); c.7997C>A, p.Thr2666Lys (NM_001407452.1); c.7850C>A, p.Thr2617Lys (NM_001407453.1, NM_001354901.2); c.7778C>A, p.Thr2593Lys (NM_001407454.1, NM_001407455.1, NM_001407456.1 and 1 more transcripts); and 11 more; short protein forms T2550K, T2593K, T2666K, T2686K, T2694K, T2516K, T2547K, T2617K.
Identifiers: ClinVar variation 2895868 (VCV002895868.3), dbSNP rs1554088843, ClinGen allele CA16038765.